The following is an entry in ClinVar:

ClinVar aggregate classification (germline): Uncertain significance (0 of 4 stars; one submission).

Allele frequency attached by ClinVar (database versions not stated): gnomAD exomes 0.00001; gnomAD 0.00002; ExAC 0.00005.
gnomAD v4.1: 14 of 1,550,996 alleles (0.0009%); highest among the groups gnomAD compares: Admixed American, 0.0039%; no homozygotes.

Submission:

Genetic Services Laboratory, University of Chicago
Classification: Uncertain significance. Last evaluated: 2022-08-30. Review status: no assertion criteria provided. Collection method: clinical testing. Allele origin: germline. Affected: no.
Comment: DNA sequence analysis of the TET2 gene demonstrated a sequence change in intron 6, c.3803+5G>A. This change does not appear to have been previously described in individuals with TET2-related disorders.This sequence change has been described in the gnomAD database in one individual which corresponds to a global population frequency of 0.0006% (dbSNP rs761874646). Based on in-silico splice prediction programs, this sequence change is predicted to affect normal splicing of the TET2 gene, however functional studies have not been performed to prove this conclusively. The functional significance of this sequence change is not known at present and its contribution to this individual's disease phenotype cannot definitively be determined.

NM_001127208.3(TET2):c.3803+5G>A

Genes: TET2 (tet methylcytosine dioxygenase 2; plus strand), TET2-AS1 (TET2 antisense RNA 1; minus strand). Cytogenetic location: 4q24.
Variant type: single nucleotide variant.
Coding change: c.3803+5G>A on transcript NM_001127208.3 (MANE Select); 5 bases into the intron after coding-DNA position 3803, G replaced by A.
Molecular consequence: intron variant.
Genome position (GRCh38, 1-based): chr4:105,243,783, G>A. VCF-style: chr4-105243783-G-A. GRCh37 (hg19) VCF-style: chr4-106164940-G-A.
Identifiers: ClinVar variation 2443282 (VCV002443282.2), dbSNP rs761874646, ClinGen allele CA3032132.